The following is an entry in ClinVar:

NM_004336.5(BUB1):c.3038G>A (p.Cys1013Tyr)

Gene: BUB1 (BUB1 mitotic checkpoint serine/threonine kinase; minus strand). Cytogenetic location: 2q13.
Variant type: single nucleotide variant.
Coding change: c.3038G>A on transcript NM_004336.5 (MANE Select); coding-DNA position 3038, G replaced by A.
Protein change: p.Cys1013Tyr; replaces cysteine 1013 with tyrosine.
Molecular consequence: missense variant.
Genome position (GRCh38, 1-based): chr2:110,639,766, C>T on the plus strand (G>A on the coding strand, the complement: BUB1 is on the minus strand). VCF-style: chr2-110639766-C-T. GRCh37 (hg19) VCF-style: chr2-111397343-C-T.
Other names: c.2978G>A, p.Cys993Tyr (NM_001278616.2); c.2867G>A, p.Cys956Tyr (NM_001278617.2); short protein forms C1013Y, C993Y, C956Y.
Identifiers: ClinVar variation 1799107 (VCV001799107.2), dbSNP rs1291443658, ClinGen allele CA348088715.

ClinVar aggregate classification (germline): Uncertain significance (1 of 4 stars; one submission).

Allele frequency attached by ClinVar (database versions not stated): gnomAD exomes below 0.00001; TOPMed 0.00001.
gnomAD v4.1: 2 of 1,613,716 alleles (0.00012%); highest among the groups gnomAD compares: Non-Finnish European, 0.00017%; no homozygotes.

Submission:

Ambry Genetics
Classification: Uncertain significance. Last evaluated: 2024-03-04. Review status: criteria provided, single submitter. Criteria: Ambry Variant Classification Scheme 2023. Collection method: clinical testing. Allele origin: germline.
Comment: The p.C1013Y variant (also known as c.3038G>A), located in coding exon 24 of the BUB1 gene, results from a G to A substitution at nucleotide position 3038. The cysteine at codon 1013 is replaced by tyrosine, an amino acid with highly dissimilar properties. This amino acid position is conserved. In addition, this alteration is predicted to be tolerated by in silico analysis. Since supporting evidence is limited at this time, the clinical significance of this alteration remains unclear.